The following is an entry in ClinVar:

NM_001363711.2(DUOX2):c.1123dup (p.Ile375fs)

Gene: DUOX2 (dual oxidase 2; minus strand). Cytogenetic location: 15q21.1.
Variant type: Duplication.
Coding change: c.1123dup on transcript NM_001363711.2 (MANE Select); coding-DNA position 1123, one base duplicated (A; older notation c.1123dupA).
Protein change: p.Ile375fs; shifts the reading frame from isoleucine 375.
Molecular consequence: frameshift variant.
Genome position (GRCh38, 1-based): chr15:45,109,898, T duplicated on the plus strand (A on the coding strand, the reverse complement: DUOX2 is on the minus strand). VCF-style (leftmost placement, unchanged base first): chr15-45109897-A-AT. GRCh37 (hg19) VCF-style: chr15-45402095-A-AT.
Other names: c.1123dup, p.Ile375fs (NM_014080.5); short protein forms I375fs.
Identifiers: ClinVar variation 5018886 (VCV005018886.2).

ClinVar aggregate classification (germline): Likely pathogenic (1 of 4 stars; one submission).

Conditions:
Thyroid dyshormonogenesis 6 (TDH6). Also called: HYPOTHYROIDISM, CONGENITAL, DUE TO DYSHORMONOGENESIS, 6; THYROID HORMONOGENESIS, GENETIC DEFECT IN, 6; Genetic transient congenital hypothyroidism. Identifiers: Orphanet 226316, Orphanet 95716, MedGen C1846632, MONDO:0011792, OMIM 607200.

Submission:

Juno Genomics, Hangzhou Juno Genomics, Inc
Classification: Likely pathogenic for Thyroid dyshormonogenesis 6. Review status: criteria provided, single submitter. Criteria: ACMG Guidelines, 2015. Collection method: clinical testing. Allele origin: germline.
Comment: Absent from controls (or at extremely low frequency if recessive) in Genome Aggregation Database.;Null variant in a gene where loss of function (LOF) is a known mechanism of disease.